The following is an entry in ClinVar:

NM_001099289.3(SH3RF3):c.28G>T (p.Ala10Ser)

Genes: RANBP2 (RAN binding protein 2; plus strand), SH3RF3 (SH3 domain containing ring finger 3; plus strand), SH3RF3-AS1 (SH3RF3 antisense RNA 1; minus strand). Cytogenetic location: 2q13.
Variant type: single nucleotide variant.
Coding change: c.28G>T on transcript NM_001099289.3 (MANE Select); coding-DNA position 28, G replaced by T.
Protein change: p.Ala10Ser; replaces alanine 10 with serine.
Molecular consequence: missense variant. On other transcripts: non-coding transcript variant (1).
Genome position (GRCh38, 1-based): chr2:109,129,568, G>T. VCF-style: chr2-109129568-G-T. GRCh37 (hg19) VCF-style: chr2-109746024-G-T.
Other names: short protein forms A10S.
Identifiers: ClinVar variation 3795446 (VCV003795446.1).
Genomic context (GRCh38, chr2:109,129,568, plus strand): 5'-CAGCCGCGCGAGACCGCTGCGGGCGCCTCCCCCATGCTGCTCGGAGCGTCCTGGCTGTGC[G>T]CATCCAAGGCGGCCGCCGCTGCTGCGCAGAGCGAGGGCGACGAGGACAGGCCAGGCGAGC-3'
Protein context (NP_001092759.1, residues 1-20): MLLGASWLC[Ala10Ser]SKAAAAAAQS

ClinVar aggregate classification (germline): Uncertain significance (1 of 4 stars; one submission).

gnomAD v4.1: 2 of 1,487,030 alleles (0.00013%); highest among the groups gnomAD compares: Admixed American, 0.0046%; no homozygotes.

Submission:

Ambry Genetics
Classification: Uncertain significance. Last evaluated: 2025-01-20. Review status: criteria provided, single submitter. Criteria: Ambry Variant Classification Scheme 2023. Collection method: clinical testing. Allele origin: germline.
Comment: The c.28G>T (p.A10S) alteration is located in exon (coding exon ) of the SH3RF3 gene. This alteration results from a G to T substitution at nucleotide position 28, causing the alanine (A) at amino acid position 10 to be replaced by a serine (S). Based on insufficient or conflicting evidence, the clinical significance of this alteration remains unclear.